The following is an entry in ClinVar:

NM_001135022.2(ELMOD3):c.78T>G (p.Tyr26Ter)

Gene: ELMOD3 (ELMO domain containing 3; plus strand). Cytogenetic location: 2p11.2.
Variant type: single nucleotide variant.
Coding change: c.78T>G on transcript NM_001135022.2 (MANE Select); coding-DNA position 78, T replaced by G.
Protein change: p.Tyr26Ter; replaces tyrosine 26 with a stop codon.
Molecular consequence: nonsense. On other transcripts: non-coding transcript variant (3).
Genome position (GRCh38, 1-based): chr2:85,362,209, T>G. VCF-style: chr2-85362209-T-G. GRCh37 (hg19) VCF-style: chr2-85589332-T-G.
Other names: c.78T>G, p.Tyr26Ter (NM_001135021.2, NM_001135023.2, NM_001329791.2 and 3 more transcripts); short protein forms Y26*.
Identifiers: ClinVar variation 2031278 (VCV002031278.4), dbSNP rs1288342333, ClinGen allele CA347478492.

ClinVar aggregate classification (germline): Uncertain significance (1 of 4 stars; one submission).

Allele frequency attached by ClinVar (database versions not stated): TOPMed below 0.00001; gnomAD exomes 0.00001.

Submission:

Labcorp Genetics (formerly Invitae), Labcorp
Classification: Uncertain significance. Last evaluated: 2022-09-19. Review status: criteria provided, single submitter. Criteria: Invitae Variant Classification Sherloc (09022015). Collection method: clinical testing. Allele origin: germline.
Comment: In summary, the available evidence is currently insufficient to determine the role of this variant in disease. Therefore, it has been classified as a Variant of Uncertain Significance. This variant has not been reported in the literature in individuals affected with ELMOD3-related conditions. This variant is present in population databases (no rsID available, gnomAD 0.002%). This sequence change creates a premature translational stop signal (p.Tyr26*) in the ELMOD3 gene. It is expected to result in an absent or disrupted protein product. However, the current clinical and genetic evidence is not sufficient to establish whether loss-of-function variants in ELMOD3 cause disease.